The following is an entry in ClinVar:

NM_004426.3(PHC1):c.1165C>T (p.Gln389Ter)

Gene: PHC1 (polyhomeotic homolog 1; plus strand). Cytogenetic location: 12p13.31.
Variant type: single nucleotide variant.
Coding change: c.1165C>T on transcript NM_004426.3 (MANE Select); coding-DNA position 1165, C replaced by T.
Protein change: p.Gln389Ter; replaces glutamine 389 with a stop codon.
Molecular consequence: nonsense. On other transcripts: non-coding transcript variant (1).
Genome position (GRCh38, 1-based): chr12:8,932,622, C>T. VCF-style: chr12-8932622-C-T. GRCh37 (hg19) VCF-style: chr12-9085218-C-T.
Other names: c.1165C>T, p.Gln389Ter (NM_001413738.1, NM_001413744.1, NM_001413745.1 and 4 more transcripts); c.1159C>T, p.Gln387Ter (NM_001413739.1); c.1141C>T, p.Gln381Ter (NM_001413740.1, NM_001413750.1, NM_001413751.1 and 1 more transcripts); c.1054C>T, p.Gln352Ter (NM_001413741.1); c.1009C>T, p.Gln337Ter (NM_001413742.1, NM_001413743.1); c.1015C>T, p.Gln339Ter (NM_001413753.1, NM_001413754.1); short protein forms Q337*, Q339*, Q352*, Q381*, Q387*, Q389*.
Identifiers: ClinVar variation 3388174 (VCV003388174.15).
Genomic context (GRCh38, chr12:8,932,622, plus strand): 5'-GCCACCTACACACAGATCCAGCCCCATTCACTGATTCAGCAACAGCAACAGATCCACCTC[C>T]AGCAGAAACAGGTGGTGATCCAGCAGCAGATTGCCATCCACCACCAGCAGCAGTTCCAGC-3'

ClinVar aggregate classification (germline): Likely benign. Review status: criteria provided, multiple submitters, no conflicts (2 of 4 stars). 2 submissions from 2 submitters: Likely benign (2). Last evaluated 2024-11-27.

Submissions (2):

Blueprint Genetics
Classification: Likely benign. Last evaluated: 2024-11-27. Review status: criteria provided, single submitter. Criteria: ACMG Guidelines, 2015. Collection method: clinical testing. Allele origin: germline.

CeGaT Center for Human Genetics Tuebingen
Classification: Likely benign. Last evaluated: 2024-10-01. Review status: criteria provided, single submitter. Criteria: CeGaT Center For Human Genetics Tuebingen Variant Classification Criteria Version 2. Collection method: clinical testing. Allele origin: germline. Affected: yes. Observed: 1 variant allele.
Comment: PHC1: BS1